The following is an entry in ClinVar:

NM_024675.4(PALB2):c.1180C>T (p.His394Tyr)

Gene: PALB2 (partner and localizer of BRCA2; minus strand). Cytogenetic location: 16p12.2.
Variant type: single nucleotide variant.
Coding change: c.1180C>T on transcript NM_024675.4 (MANE Select); coding-DNA position 1180, C replaced by T.
Protein change: p.His394Tyr; replaces histidine 394 with tyrosine.
Molecular consequence: missense variant.
Genome position (GRCh38, 1-based): chr16:23,635,366, G>A on the plus strand (C>T on the coding strand, the complement: PALB2 is on the minus strand). VCF-style: chr16-23635366-G-A. GRCh37 (hg19) VCF-style: chr16-23646687-G-A.
Other names: short protein forms H394Y.
Identifiers: ClinVar variation 631056 (VCV000631056.9), dbSNP rs1567221411, ClinGen allele CA395133362.

ClinVar aggregate classification (germline): Uncertain significance. Review status: criteria provided, multiple submitters, no conflicts (2 of 4 stars). 3 submissions from 3 submitters: Uncertain significance (3). Last evaluated 2025-12-27.

Conditions:
Hereditary cancer-predisposing syndrome. Also called: Neoplastic Syndromes, Hereditary; Hereditary neoplastic syndrome; Tumor predisposition; Hereditary Cancer Syndrome. Identifiers: Orphanet 140162, MedGen C0027672, MeSH D009386, MONDO:0015356.
Familial cancer of breast. Also called: Hereditary breast cancer; BREAST CANCER, FAMILIAL; hereditary breast carcinoma. Identifiers: Orphanet 227535, MedGen C0346153, MONDO:0016419, OMIM 114480. Disease mechanism: loss of function.

Allele frequency attached by ClinVar (database versions not stated): gnomAD exomes below 0.00001.
gnomAD v4.1: 1 of 1,613,970 alleles (0.000062%); highest among the groups gnomAD compares: South Asian, 0.0011%; no homozygotes.

Submissions (3):

Ambry Genetics
Classification: Uncertain significance for Hereditary cancer-predisposing syndrome. Last evaluated: 2025-12-27. Review status: criteria provided, single submitter. Criteria: Ambry Variant Classification Scheme 2023. Collection method: clinical testing. Allele origin: germline.
Comment: The p.H394Y variant (also known as c.1180C>T), located in coding exon 4 of the PALB2 gene, results from a C to T substitution at nucleotide position 1180. The histidine at codon 394 is replaced by tyrosine, an amino acid with similar properties. This amino acid position is conserved. In addition, this alteration is predicted to be tolerated by in silico analysis. Based on the available evidence, the clinical significance of this variant remains unclear.

Color Diagnostics, LLC DBA Color Health
Classification: Uncertain significance for Hereditary cancer-predisposing syndrome. Last evaluated: 2023-12-05. Review status: criteria provided, single submitter. Criteria: ACMG Guidelines, 2015. Collection method: clinical testing. Allele origin: germline.
Comment: This missense variant replaces histidine with tyrosine at codon 394 of the PALB2 protein. Computational prediction suggests that this variant may not impact protein structure and function (internally defined REVEL score threshold <= 0.5, PMID: 27666373). To our knowledge, functional studies have not been reported for this variant. This variant has not been reported in individuals affected with PALB2-related disorders in the literature. This variant has not been identified in the general population by the Genome Aggregation Database (gnomAD). The available evidence is insufficient to determine the role of this variant in disease conclusively. Therefore, this variant is classified as a Variant of Uncertain Significance.

Labcorp Genetics (formerly Invitae), Labcorp
Classification: Uncertain significance for Familial cancer of breast. Last evaluated: 2023-02-16. Review status: criteria provided, single submitter. Criteria: Invitae Variant Classification Sherloc (09022015). Collection method: clinical testing. Allele origin: germline.
Comment: In summary, the available evidence is currently insufficient to determine the role of this variant in disease. Therefore, it has been classified as a Variant of Uncertain Significance. Advanced modeling of protein sequence and biophysical properties (such as structural, functional, and spatial information, amino acid conservation, physicochemical variation, residue mobility, and thermodynamic stability) performed at Invitae indicates that this missense variant is not expected to disrupt PALB2 protein function. ClinVar contains an entry for this variant (Variation ID: 631056). This variant has not been reported in the literature in individuals affected with PALB2-related conditions. This variant is not present in population databases (gnomAD no frequency). This sequence change replaces histidine, which is basic and polar, with tyrosine, which is neutral and polar, at codon 394 of the PALB2 protein (p.His394Tyr).